The following is an entry in ClinVar:

ClinVar aggregate classification (germline): Uncertain significance (1 of 4 stars; one submission).

Submission:

Ambry Genetics
Classification: Uncertain significance. Last evaluated: 2023-07-04. Review status: criteria provided, single submitter. Criteria: Ambry Variant Classification Scheme 2023. Collection method: clinical testing. Allele origin: germline.
Comment: The p.M39K variant (also known as c.116T>A), located in coding exon 1 of the MNDA gene, results from a T to A substitution at nucleotide position 116. The methionine at codon 39 is replaced by lysine, an amino acid with similar properties. This amino acid position is conserved. In addition, this alteration is predicted to be tolerated by in silico analysis. Since supporting evidence is limited at this time, the clinical significance of this alteration remains unclear.

NM_002432.3(MNDA):c.116T>A (p.Met39Lys)

Gene: MNDA (myeloid cell nuclear differentiation antigen; plus strand). Cytogenetic location: 1q23.1.
Variant type: single nucleotide variant.
Coding change: c.116T>A on transcript NM_002432.3 (MANE Select); coding-DNA position 116, T replaced by A.
Protein change: p.Met39Lys; replaces methionine 39 with lysine.
Molecular consequence: missense variant.
Genome position (GRCh38, 1-based): chr1:158,842,269, T>A. VCF-style: chr1-158842269-T-A. GRCh37 (hg19) VCF-style: chr1-158812059-T-A.
Other names: short protein forms M39K.
Identifiers: ClinVar variation 2621583 (VCV002621583.2), dbSNP rs1237788276, ClinGen allele CA343036722.